The following is an entry in ClinVar:

ClinVar aggregate classification (germline): Uncertain significance (1 of 4 stars; one submission).

Conditions:
Congenital muscular hypertrophy-cerebral syndrome (CDLS2). Also called: Cornelia de Lange syndrome 2; SMC1A-Related Cornelia de Lange Syndrome. Identifiers: Orphanet 199, MedGen C1802395, MONDO:0010370, OMIM 300590.

Allele frequency attached by ClinVar (database versions not stated): ExAC 0.00002; gnomAD 0.00002; gnomAD exomes 0.00002; TOPMed 0.00002; ESP Exome Variant Server 0.00009.
gnomAD v4.1: 20 of 1,208,220 alleles (0.0017%); highest among the groups gnomAD compares: Non-Finnish European, 0.0021%; no homozygotes.

Submission:

Labcorp Genetics (formerly Invitae), Labcorp
Classification: Uncertain significance for Congenital muscular hypertrophy-cerebral syndrome. Last evaluated: 2023-10-09. Review status: criteria provided, single submitter. Criteria: Invitae Variant Classification Sherloc (09022015). Collection method: clinical testing. Allele origin: germline.
Comment: This sequence change replaces alanine, which is neutral and non-polar, with threonine, which is neutral and polar, at codon 879 of the SMC1A protein (p.Ala879Thr). This variant is present in population databases (rs369412105, gnomAD 0.004%). This variant has not been reported in the literature in individuals affected with SMC1A-related conditions. ClinVar contains an entry for this variant (Variation ID: 2085905). Advanced modeling of protein sequence and biophysical properties (such as structural, functional, and spatial information, amino acid conservation, physicochemical variation, residue mobility, and thermodynamic stability) performed at Invitae indicates that this missense variant is not expected to disrupt SMC1A protein function. In summary, the available evidence is currently insufficient to determine the role of this variant in disease. Therefore, it has been classified as a Variant of Uncertain Significance.

NM_006306.4(SMC1A):c.2635G>A (p.Ala879Thr)

Gene: SMC1A (structural maintenance of chromosomes 1A; minus strand). Cytogenetic location: Xp11.22.
Variant type: single nucleotide variant.
Coding change: c.2635G>A on transcript NM_006306.4 (MANE Select); coding-DNA position 2635, G replaced by A.
Protein change: p.Ala879Thr; replaces alanine 879 with threonine.
Molecular consequence: missense variant.
Genome position (GRCh38, 1-based): chrX:53,396,545, C>T on the plus strand (G>A on the coding strand, the complement: SMC1A is on the minus strand). VCF-style: chrX-53396545-C-T. GRCh37 (hg19) VCF-style: chrX-53423465-C-T.
Other names: c.2569G>A, p.Ala857Thr (NM_001281463.1); short protein forms A857T, A879T.
Identifiers: ClinVar variation 2085905 (VCV002085905.4), dbSNP rs369412105, ClinGen allele CA10420410.
Genomic context (GRCh38, chrX:53,396,545, plus strand): 5'-CGAGTTTCTTACGAATCTCCTCCATCTCATGATTCTTGTCATTCACTTCCGACTTCTTGG[C>T]CAGATGCTGATTCTTCAGGTCTTGTAGCTGAGCCATGGTCTCATCTATGATCTTCATGTG-3'
Protein context (NP_006297.2, residues 869-889): QLQDLKNQHL[Ala879Thr]KKSEVNDKNH